The following is an entry in ClinVar:

NM_003482.4(KMT2D):c.10004C>T (p.Pro3335Leu)

Gene: KMT2D (lysine methyltransferase 2D; minus strand). Cytogenetic location: 12q13.12.
Variant type: single nucleotide variant.
Coding change: c.10004C>T on transcript NM_003482.4 (MANE Select); coding-DNA position 10004, C replaced by T.
Protein change: p.Pro3335Leu; replaces proline 3335 with leucine.
Molecular consequence: missense variant.
Genome position (GRCh38, 1-based): chr12:49,037,352, G>A on the plus strand (C>T on the coding strand, the complement: KMT2D is on the minus strand). VCF-style: chr12-49037352-G-A. GRCh37 (hg19) VCF-style: chr12-49431135-G-A.
Other names: short protein forms P3335L.
Identifiers: ClinVar variation 4750511 (VCV004750511.1).
Genomic context (GRCh38, chr12:49,037,352, plus strand): 5'-TGCCCTTGATTGGACACCATAGCCATGGATGGAGCCAGGCGTTGCTGGAGGGCATGAGCT[G>A]GTGGCTGGGTGGGCATCAGTGGCTGGGGCAAACCTGGCTGTCGGGCACCTGCAAGACCCA-3'
Protein context (NP_003473.3, residues 3325-3345): LPQPLMPTQP[Pro3335Leu]AHALQQRLAP

ClinVar aggregate classification (germline): Uncertain significance (1 of 4 stars; one submission).

Conditions:
Kabuki syndrome. Also called: NIIKAWA-KUROKI SYNDROME; Kabuki make-up syndrome. Identifiers: Orphanet 2322, MedGen C0796004, MONDO:0016512.

Submission:

Labcorp Genetics (formerly Invitae), Labcorp
Classification: Uncertain significance for Kabuki syndrome. Last evaluated: 2025-09-22. Review status: criteria provided, single submitter. Criteria: Invitae Variant Classification Sherloc (09022015). Collection method: clinical testing. Allele origin: germline.
Comment: This sequence change replaces proline, which is neutral and non-polar, with leucine, which is neutral and non-polar, at codon 3335 of the KMT2D protein (p.Pro3335Leu). This variant is not present in population databases (gnomAD no frequency). This variant has not been reported in the literature in individuals affected with KMT2D-related conditions. Invitae Evidence Modeling of protein sequence and biophysical properties (such as structural, functional, and spatial information, amino acid conservation, physicochemical variation, residue mobility, and thermodynamic stability) indicates that this missense variant is not expected to disrupt KMT2D protein function with a negative predictive value of 95%. In summary, the available evidence is currently insufficient to determine the role of this variant in disease. Therefore, it has been classified as a Variant of Uncertain Significance.